The following is an entry in ClinVar:

NM_000543.5(SMPD1):c.739G>A (p.Gly247Ser)

Gene: SMPD1 (sphingomyelin phosphodiesterase 1; plus strand). Cytogenetic location: 11p15.4.
Variant type: single nucleotide variant.
Coding change: c.739G>A on transcript NM_000543.5 (MANE Select); coding-DNA position 739, G replaced by A.
Protein change: p.Gly247Ser; replaces glycine 247 with serine.
Molecular consequence: missense variant. On other transcripts: 5 prime UTR variant (1), non-coding transcript variant (1).
Genome position (GRCh38, 1-based): chr11:6,391,804, G>A. VCF-style: chr11-6391804-G-A. GRCh37 (hg19) VCF-style: chr11-6413034-G-A.
Other names: c.736G>A, p.Gly246Ser (NM_001007593.3); c.739G>A, p.Gly247Ser (NM_001318087.2, NM_001365135.2); c.-223G>A (NM_001318088.2); short protein forms G247S, G246S.
Identifiers: ClinVar variation 100731 (VCV000100731.29), dbSNP rs587779408, ClinGen allele CA267590.

ClinVar aggregate classification (germline): Pathogenic. Review status: criteria provided, multiple submitters, no conflicts (2 of 4 stars). 12 submissions from 12 submitters: Pathogenic (10). 2 of the submissions do not count toward it. Last evaluated 2025-08-22.

Conditions:
Niemann-Pick disease, type A. Also called: SPHINGOMYELIN LIPIDOSIS; SPHINGOMYELINASE DEFICIENCY; Infantile Neurovisceral ASMD (Niemann-Pick Disease Type A; NPD-A). Identifiers: Orphanet 77292, MedGen C0268242, MONDO:0009756, OMIM 257200. Disease mechanism: loss of function.
Niemann-Pick disease, type B. Also called: Chronic Visceral ASMD (Niemann-Pick Disease Type B; NPD-B). Identifiers: Orphanet 77293, MedGen C0268243, MONDO:0011871, OMIM 607616. Disease mechanism: loss of function.
Sphingomyelin/cholesterol lipidosis. Also called: Niemann-Pick disease. Identifiers: MedGen C0028064, MONDO:0001982.
Ceroid lipofuscinosis, neuronal, 6A. Also called: Neuronal ceroid lipofuscinosis, Gypsy/Indian early juvenile variant; Neuronal ceroid lipofuscinosis 6; Neuronal ceroid lipofuscinosis, late infantile, variant; CLN6-Related Neuronal Ceroid-Lipofuscinosis. Identifiers: Orphanet 168491, Orphanet 228363, MedGen C5551375, MONDO:0011144, OMIM 601780.

Allele frequency attached by ClinVar (database versions not stated): gnomAD exomes 0.00002; gnomAD 0.00003; ExAC 0.00002.
gnomAD v4.1: 38 of 1,612,708 alleles (0.0024%); highest among the groups gnomAD compares: Admixed American, 0.0033%; no homozygotes.

Submissions (12):

First Genomix Gene Laboratory, Genetic Diagnostics Department
Classification: Pathogenic for Niemann-Pick disease, type A; Niemann-Pick disease, type B. Last evaluated: 2025-08-22. Review status: criteria provided, single submitter. Criteria: ACMG Guidelines, 2015. Collection method: clinical testing. Allele origin: germline. Inheritance: Autosomal recessive inheritance. Affected: no. Observed: 1 variant allele.

Natera, Inc.
Classification: Pathogenic for Niemann-Pick Disease, Types A/B. Last evaluated: 2025-08-12. Review status: criteria provided, single submitter. Criteria: Natera Variant Classification Schema (03/2026). Collection method: clinical testing. Allele origin: germline.
Comment: The c.739G>A variant in SMPD1 is a missense variant predicted to cause substitution of glycine to serine at amino acid 247. This variant is rare in the general population with a frequency below the threshold expected for the associated phenotype(s). This variant has been observed in one or more individuals affected with the associated recessive disease, as either homozygous or compound heterozygous with a second variant (PMID: 19405096). Computational prediction algorithms indicate this variant is likely to affect gene or protein function. Given the available evidence, this variant is classified as Pathogenic.

Labcorp Genetics (formerly Invitae), Labcorp
Classification: Pathogenic for Niemann-Pick disease, type B; Niemann-Pick disease, type A. Last evaluated: 2025-05-13. Review status: criteria provided, single submitter. Criteria: Invitae Variant Classification Sherloc (09022015). Collection method: clinical testing. Allele origin: germline.
Comment: This sequence change replaces glycine, which is neutral and non-polar, with serine, which is neutral and polar, at codon 247 of the SMPD1 protein (p.Gly247Ser). This variant is present in population databases (rs587779408, gnomAD 0.007%). This missense change has been observed in individuals with Niemann-Pick disease (PMID: 12369017, 15221801, 15234149, 15241805, 23252888, 24767253). This variant is also known as p.Gly245Ser. ClinVar contains an entry for this variant (Variation ID: 100731). Invitae Evidence Modeling of protein sequence and biophysical properties (such as structural, functional, and spatial information, amino acid conservation, physicochemical variation, residue mobility, and thermodynamic stability) has been performed for this missense variant. However, the output from this modeling did not meet the statistical confidence thresholds required to predict the impact of this variant on SMPD1 protein function. Experimental studies have shown that this missense change affects SMPD1 function (PMID: 15241805). This variant disrupts the p.Gly247 amino acid residue in SMPD1. Other variant(s) that disrupt this residue have been observed in individuals with SMPD1-related conditions (PMID: 23430884), which suggests that this may be a clinically significant amino acid residue. For these reasons, this variant has been classified as Pathogenic.

Baylor Genetics
Classification: Pathogenic for Niemann-Pick disease, type A. Last evaluated: 2024-03-26. Review status: criteria provided, single submitter. Criteria: ACMG Guidelines, 2015. Collection method: clinical testing. Allele origin: unknown.

Women's Health and Genetics/Laboratory Corporation of America, LabCorp
Classification: Pathogenic for Sphingomyelin/cholesterol lipidosis. Last evaluated: 2022-02-16. Review status: criteria provided, single submitter. Criteria: LabCorp Variant Classification Summary - May 2015. Collection method: clinical testing. Allele origin: germline.
Comment: Variant summary: SMPD1 c.739G>A (p.Gly247Ser) results in a non-conservative amino acid change located in the apaH type Calcineurin-like phosphoesterase domain (IPR004843) of the encoded protein sequence. Five of five in-silico tools predict a damaging effect of the variant on protein function. The variant allele was found at a frequency of 2.4e-05 in 248600 control chromosomes (gnomAD). The variant, c.739G>A (aka c.733G>A (p.G245S)) has been reported in the literature in multiple homozygous and compound heterozygous individuals affected with Niemann-Pick Disease (e.g. Simonaro_2002, Pittis_2004, Ricci_2004, Irun_2013). These data indicate that the variant is very likely to be associated with disease. Publications also reported experimental evidence evaluating an impact on protein function, demonstrating a severely decreased residual enzyme activity (i.e. less than 10%) in patient derived fibroblasts and leukocytes (Pittis_2004, Irun_2013). Seven clinical diagnostic laboratories have submitted clinical-significance assessments for this variant to ClinVar after 2014, and all of them classified the variant as pathogenic/likely pathogenic. Based on the evidence outlined above, the variant was classified as pathogenic.

Broad Center for Mendelian Genomics, Broad Institute of MIT and Harvard
Classification: Pathogenic for Sphingomyelin/cholesterol lipidosis. Last evaluated: 2020-01-22. Review status: criteria provided, single submitter. Criteria: ACMG Guidelines, 2015. Collection method: curation. Allele origin: germline. Inheritance: Autosomal recessive inheritance.
Comment: The p.Gly247Ser variant in SMPD1 (also known as p.Gly245Ser due to a difference in cDNA numbering) has been reported in at least 12 individuals with Niemann-Pick disease (PMID: 15234149, 12369017, 23252888, 24767253, 15221801, 19405096, 15241805) and has been identified in 0.004% (5/112836) of European (non-Finnish) chromosomes and 0.003% (1/34526) of Latino chromosomes by the Genome Aggregation Database (gnomAD; dbSNP rs587779408). Although this variant has been seen in the general population, its frequency is low enough to be consistent with a recessive carrier frequency. The presence of this variant in the homozygous state and in combination with reported pathogenic variants in individuals with Niemann-Pick disease increases the likelihood that the p.Arg247Ser variant is pathogenic (PMID: 15234149, 12369017, 23252888, 24767253, 15221801, 19405096, 15241805). The phenotype of individuals compound heterozygous for this variant is highly specific for Niemann-Pick based on acid sphingomyelinase activity in leukocytes or fibroblasts being <10%, consistent with disease (PMID: 23252888, 15241805). In summary, this variant meets criteria to be classified as pathogenic for Niemann-Pick disease in an autosomal recessive manner based on multiple occurrences in the homozygous state and with pathogenic SMPD1 variants in affected individuals and low frequency in the general population. ACMG/AMP Criteria applied: PM3_very-strong, PM2, PP4 (Richards 2015).

GeneDx
Classification: Pathogenic. Last evaluated: 2019-09-10. Review status: criteria provided, single submitter. Criteria: GeneDx Variant Classification Process June 2021. Collection method: clinical testing. Allele origin: germline. Affected: yes.
Comment: Also known as G245S using alternate nomenclature; In one cohort of 15 patients with type A or B Niemann-Pick disease, G247S accounted for 12% of the pathogenic variants identified (Irun et al., 2013); Not observed at a significant frequency in large population cohorts (Lek et al., 2016); The majority of missense variants in this gene are considered pathogenic (Stenson et al., 2014); In silico analysis, which includes protein predictors and evolutionary conservation, supports a deleterious effect This variant is associated with the following publications: (PMID: 31980526, 30223864, 23430884, 19405096, 23252888, 15241805, 24767253, 15221801, 15234149, 12369017, 30985853)

Revvity Omics, Revvity
Classification: Pathogenic. Last evaluated: 2019-05-24. Review status: criteria provided, single submitter. Criteria: ACMG Guidelines, 2015. Collection method: clinical testing. Allele origin: germline.

Eurofins Ntd Llc (ga)
Classification: Pathogenic. Last evaluated: 2017-03-06. Review status: criteria provided, single submitter. Criteria: EGL Classification Definitions 2015. Collection method: clinical testing. Allele origin: germline. Observed: 1 variant allele, 1 homozygote.

Clinical Genetics Service, Universitary Hospital 12 de Octubre
Classification: Pathogenic for Niemann-Pick disease, type A. Review status: criteria provided, single submitter. Criteria: ACMG Guidelines, 2015. Collection method: clinical testing. Allele origin: paternal. Affected: yes.

Counsyl
Classification: Likely pathogenic for Niemann-Pick disease, type A. Last evaluated: 2014-08-10. Review status: no assertion criteria provided. Collection method: literature only. Allele origin: unknown. Inheritance: Autosomal recessive inheritance. Not counted in ClinVar's aggregate classification.

Unidad de Diagnostico y Tratamiento de Errores Congenitos del Metabolismo. Hospital Clínico Universitário de Santiago de Compostela
Classification: Pathogenic for Ceroid lipofuscinosis neuronal 6. Review status: no assertion criteria provided. Collection method: research. Allele origin: inherited. Affected: yes. Not counted in ClinVar's aggregate classification.

Literature cited by the submitters: PubMed 19405096 (cited by Natera, Inc. and Counsyl); PubMed 12369017 (cited by 4 submitters); PubMed 15221801 (cited by 4 submitters); PubMed 15234149 (cited by 3 submitters); PubMed 15241805 (cited by 3 submitters); PubMed 23252888 (cited by 4 submitters); PubMed 24767253 (cited by 3 submitters); PubMed 23430884 (cited by Labcorp Genetics (formerly Invitae), Labcorp and Counsyl); PubMed 26499107 (cited by Women's Health and Genetics/Laboratory Corporation of America, LabCorp).